The following is an entry in ClinVar:

ClinVar aggregate classification (germline): Likely benign (1 of 4 stars; one submission).

Conditions:
PKD1-related disorder. Also called: PKD1-related condition.

gnomAD v4.1: 127 of 1,610,158 alleles (0.0079%); highest among the groups gnomAD compares: Non-Finnish European, 0.0094%; no homozygotes.

Submission:

PreventionGenetics, part of Exact Sciences
Classification: Likely benign for PKD1-related condition. Last evaluated: 2025-06-25. Review status: criteria provided, single submitter. Criteria: ACMG Guidelines, 2015. Collection method: clinical testing. Allele origin: germline.
Comment: This variant is classified as likely benign based on ACMG/AMP sequence variant interpretation guidelines (Richards et al. 2015 PMID: 25741868, with internal and published modifications).

NM_001009944.3(PKD1):c.3306C>G (p.Leu1102=)

Gene: PKD1 (polycystin 1, transient receptor potential channel interacting; minus strand). Cytogenetic location: 16p13.3.
Variant type: single nucleotide variant.
Coding change: c.3306C>G on transcript NM_001009944.3 (MANE Select); coding-DNA position 3306, C replaced by G.
Protein change: p.Leu1102=; no amino-acid change (leucine 1102 retained).
Molecular consequence: synonymous variant.
Genome position (GRCh38, 1-based): chr16:2,111,861, G>C on the plus strand (C>G on the coding strand, the complement: PKD1 is on the minus strand). VCF-style: chr16-2111861-G-C. GRCh37 (hg19) VCF-style: chr16-2161862-G-C.
Other names: c.3306C>G, p.Leu1102= (NM_000296.4).
Identifiers: ClinVar variation 4979339 (VCV004979339.1).